The following is an entry in ClinVar:

NM_001164665.2(KIAA1549):c.3214C>G (p.Leu1072Val)

Gene: KIAA1549 (KIAA1549; minus strand). Cytogenetic location: 7q34.
Variant type: single nucleotide variant.
Coding change: c.3214C>G on transcript NM_001164665.2 (MANE Select); coding-DNA position 3214, C replaced by G.
Protein change: p.Leu1072Val; replaces leucine 1072 with valine.
Molecular consequence: missense variant.
Genome position (GRCh38, 1-based): chr7:138,909,053, G>C on the plus strand (C>G on the coding strand, the complement: KIAA1549 is on the minus strand). VCF-style: chr7-138909053-G-C. GRCh37 (hg19) VCF-style: chr7-138593799-G-C.
Other names: c.3214C>G, p.Leu1072Val (NM_020910.3); short protein forms L1072V.
Identifiers: ClinVar variation 1063767 (VCV001063767.9), dbSNP rs2130461801, ClinGen allele CA369387182.

ClinVar aggregate classification (germline): Uncertain significance (1 of 4 stars; one submission).

Submission:

Labcorp Genetics (formerly Invitae), Labcorp
Classification: Uncertain significance. Last evaluated: 2022-06-09. Review status: criteria provided, single submitter. Criteria: Invitae Variant Classification Sherloc (09022015). Collection method: clinical testing. Allele origin: germline.
Comment: In summary, the available evidence is currently insufficient to determine the role of this variant in disease. Therefore, it has been classified as a Variant of Uncertain Significance. Algorithms developed to predict the effect of missense changes on protein structure and function are either unavailable or do not agree on the potential impact of this missense change (SIFT: "Deleterious"; PolyPhen-2: "Probably Damaging"; Align-GVGD: "Class C0"). ClinVar contains an entry for this variant (Variation ID: 1063767). This variant has not been reported in the literature in individuals affected with KIAA1549-related conditions. This variant is not present in population databases (gnomAD no frequency). This sequence change replaces leucine, which is neutral and non-polar, with valine, which is neutral and non-polar, at codon 1072 of the KIAA1549 protein (p.Leu1072Val).